The following is an entry in ClinVar:

ClinVar aggregate classification (germline): Benign/Likely benign. Review status: criteria provided, multiple submitters, no conflicts (2 of 4 stars). 6 submissions from 6 submitters: Benign (5); Likely benign (1). Last evaluated 2026-02-04.

Conditions:
Spermatogenic failure 18. Identifiers: MedGen C4539783, MONDO:0054615, OMIM 617576.
Ciliary dyskinesia, primary, 37 (CILD37). Also called: CILIARY DYSKINESIA, PRIMARY, 37, WITH OR WITHOUT SITUS INVERSUS. Identifiers: MedGen C4539798, MONDO:0033204, OMIM 617577.

Allele frequency attached by ClinVar (database versions not stated): 1000 Genomes Project 30x 0.04169; 1000 Genomes Project 0.04233; TOPMed 0.07631; gnomAD 0.07751 and 0.07792; gnomAD exomes 0.08362 and 0.11254; ESP Exome Variant Server 0.08774; ExAC 0.08932.
gnomAD v4.1: 175,745 of 1,612,530 alleles (11%); highest among the groups gnomAD compares: Non-Finnish European, 13%; 10,807 homozygotes.

Submissions (6):

Labcorp Genetics (formerly Invitae), Labcorp
Classification: Benign for Ciliary dyskinesia, primary, 37; Spermatogenic failure 18. Last evaluated: 2026-02-04. Review status: criteria provided, single submitter. Criteria: Invitae Variant Classification Sherloc (09022015). Collection method: clinical testing. Allele origin: germline.

Blueprint Genetics
Classification: Likely benign. Last evaluated: 2024-11-26. Review status: criteria provided, single submitter. Criteria: ACMG Guidelines, 2015. Collection method: clinical testing. Allele origin: germline.

Mayo Clinic Laboratories, Mayo Clinic
Classification: Benign. Last evaluated: 2023-03-12. Review status: criteria provided, single submitter. Criteria: ACMG Guidelines, 2015. Collection method: clinical testing. Allele origin: germline. Observed: 39 variant alleles.

GeneDx
Classification: Benign. Last evaluated: 2018-07-05. Review status: criteria provided, single submitter. Criteria: GeneDx Variant Classification Process June 2021. Collection method: clinical testing. Allele origin: germline. Affected: yes.

Laboratory for Molecular Medicine, Mass General Brigham Personalized Medicine
Classification: Benign. Last evaluated: 2016-03-29. Review status: criteria provided, single submitter. Criteria: LMM Criteria. Collection method: clinical testing. Allele origin: germline.
Comment: Variant identified in a genome or exome case(s) and assessed due to predicted null impact of the variant or pathogenic assertions in the literature or databases. Disclaimer: This variant has not undergone full assessment. The following are preliminary notes: Frequency

Breakthrough Genomics
Classification: Benign. Review status: criteria provided, single submitter. Criteria: ACMG Guidelines, 2015. Collection method: not provided. Allele origin: germline. Inheritance: Autosomal recessive inheritance. Affected: yes.

NM_015512.5(DNAH1):c.7151A>G (p.Asn2384Ser)

Gene: DNAH1 (dynein axonemal heavy chain 1; plus strand). Cytogenetic location: 3p21.1.
Variant type: single nucleotide variant.
Coding change: c.7151A>G on transcript NM_015512.5 (MANE Select); coding-DNA position 7151, A replaced by G.
Protein change: p.Asn2384Ser; replaces asparagine 2384 with serine.
Molecular consequence: missense variant.
Genome position (GRCh38, 1-based): chr3:52,375,405, A>G. VCF-style: chr3-52375405-A-G. GRCh37 (hg19) VCF-style: chr3-52409421-A-G.
Other names: p.Asn2384Ser; short protein forms N2384S.
Identifiers: ClinVar variation 402602 (VCV000402602.15), dbSNP rs56002041, ClinGen allele CA2434766.
Genomic context (GRCh38, chr3:52,375,405, plus strand): 5'-TGTCTTTCGCTGAGATGGACGAGGTCAGCAAGAAACGCATCTTCTCCACCATCCTGGGCA[A>G]CTGGTTGGGTGAGTATTGGTGGGGGTGAGCATGGACAAAGGCAGAAGCCCAGGCCAGGGA-3'
Protein context (NP_056327.4, residues 2374-2394): KKRIFSTILG[Asn2384Ser]WLDGLLGEKS